The following is an entry in ClinVar:

ClinVar aggregate classification (germline): Uncertain significance. Review status: criteria provided, multiple submitters, no conflicts (2 of 4 stars). 2 submissions from 2 submitters: Uncertain significance (2). Last evaluated 2024-05-02.

Conditions:
Inborn genetic diseases. Identifiers: MedGen C0950123, MeSH D030342.
Mucopolysaccharidosis, MPS-III-D (MPS3D). Also called: N-ACETYLGLUCOSAMINE-6-SULFATASE DEFICIENCY; SANFILIPPO SYNDROME D; MPS IIID (Sanfilippo Syndrome Type D); MPS III D; Mucopoly-saccharidosis type 3D; N-acetylglucosamine-6-sulfate sulfatase deficiency. Identifiers: Orphanet 581, Orphanet 79272, MedGen C0086650, MONDO:0009658, OMIM 252940.

Allele frequency attached by ClinVar (database versions not stated): gnomAD 0.00001; TOPMed 0.00001; ExAC 0.00002; gnomAD exomes 0.00001.
gnomAD v4.1: 11 of 1,588,106 alleles (0.00069%); highest among the groups gnomAD compares: South Asian, 0.0066%; no homozygotes.

Submissions (2):

Labcorp Genetics (formerly Invitae), Labcorp
Classification: Uncertain significance for Mucopolysaccharidosis, MPS-III-D. Last evaluated: 2024-05-02. Review status: criteria provided, single submitter. Criteria: Invitae Variant Classification Sherloc (09022015). Collection method: clinical testing. Allele origin: germline.
Comment: This sequence change replaces tyrosine, which is neutral and polar, with cysteine, which is neutral and slightly polar, at codon 448 of the GNS protein (p.Tyr448Cys). This variant is present in population databases (rs757534763, gnomAD 0.01%). This variant has not been reported in the literature in individuals affected with GNS-related conditions. ClinVar contains an entry for this variant (Variation ID: 2526065). Advanced modeling of protein sequence and biophysical properties (such as structural, functional, and spatial information, amino acid conservation, physicochemical variation, residue mobility, and thermodynamic stability) performed at Invitae indicates that this missense variant is not expected to disrupt GNS protein function with a negative predictive value of 80%. In summary, the available evidence is currently insufficient to determine the role of this variant in disease. Therefore, it has been classified as a Variant of Uncertain Significance.

Ambry Genetics
Classification: Uncertain significance for Inborn genetic diseases. Last evaluated: 2023-03-17. Review status: criteria provided, single submitter. Criteria: Ambry Variant Classification Scheme 2023. Collection method: clinical testing. Allele origin: germline.

NM_002076.4(GNS):c.1343A>G (p.Tyr448Cys)

Gene: GNS (glucosamine (N-acetyl)-6-sulfatase; minus strand). Cytogenetic location: 12q14.3.
Variant type: single nucleotide variant.
Coding change: c.1343A>G on transcript NM_002076.4 (MANE Select); coding-DNA position 1343, A replaced by G.
Protein change: p.Tyr448Cys; replaces tyrosine 448 with cysteine.
Molecular consequence: missense variant.
Genome position (GRCh38, 1-based): chr12:64,721,671, T>C on the plus strand (A>G on the coding strand, the complement: GNS is on the minus strand). VCF-style: chr12-64721671-T-C. GRCh37 (hg19) VCF-style: chr12-65115451-T-C.
Other names: short protein forms Y448C.
Identifiers: ClinVar variation 2526065 (VCV002526065.4), dbSNP rs757534763, ClinGen allele CA6669681.